The following is an entry in ClinVar:

NM_016507.4(CDK12):c.549G>T (p.Lys183Asn)

Genes: CDK12 (cyclin dependent kinase 12; plus strand), LOC126862553 (CDK7 strongly-dependent group 2 enhancer GRCh37_chr17:37618166-37619365; plus strand). Cytogenetic location: 17q12.
Variant type: single nucleotide variant.
Coding change: c.549G>T on transcript NM_016507.4 (MANE Select); coding-DNA position 549, G replaced by T.
Protein change: p.Lys183Asn; replaces lysine 183 with asparagine.
Molecular consequence: missense variant.
Genome position (GRCh38, 1-based): chr17:39,462,620, G>T. VCF-style: chr17-39462620-G-T. GRCh37 (hg19) VCF-style: chr17-37618873-G-T.
Other names: c.549G>T, p.Lys183Asn (NM_015083.4); short protein forms K183N.
Identifiers: ClinVar variation 4651360 (VCV004651360.1).

ClinVar aggregate classification (germline): Uncertain significance (1 of 4 stars; one submission).

gnomAD v4.1: 3 of 1,614,140 alleles (0.00019%); highest among the groups gnomAD compares: South Asian, 0.0011%; no homozygotes.

Submission:

Ambry Genetics
Classification: Uncertain significance. Last evaluated: 2025-10-06. Review status: criteria provided, single submitter. Criteria: Ambry Variant Classification Scheme 2023. Collection method: clinical testing. Allele origin: germline.
Comment: The p.K183N variant (also known as c.549G>T), located in coding exon 1 of the CDK12 gene, results from a G to T substitution at nucleotide position 549. The lysine at codon 183 is replaced by asparagine, an amino acid with similar properties. This amino acid position is conserved. In addition, this alteration is predicted to be tolerated by in silico analysis. Based on the available evidence, the clinical significance of this variant remains unclear.